The following is an entry in ClinVar:

NM_000051.4(ATM):c.914C>T (p.Ser305Leu)

Gene: ATM (ATM serine/threonine kinase; plus strand). Cytogenetic location: 11q22.3.
Variant type: single nucleotide variant.
Coding change: c.914C>T on transcript NM_000051.4 (MANE Select); coding-DNA position 914, C replaced by T.
Protein change: p.Ser305Leu; replaces serine 305 with leucine.
Molecular consequence: missense variant.
Genome position (GRCh38, 1-based): chr11:108,246,976, C>T. VCF-style: chr11-108246976-C-T. GRCh37 (hg19) VCF-style: chr11-108117703-C-T.
Other names: c.914C>T, p.Ser305Leu (NM_001351834.2); short protein forms S305L.
Identifiers: ClinVar variation 823048 (VCV000823048.6), dbSNP rs1591510485, ClinGen allele CA382530519.
Genomic context (GRCh38, chr11:108,246,976, plus strand): 5'-AAACAGAGTACATACATAAAAATTACATTTTAATTTTTTGGATTACAGGTGCTTATGAAT[C>T]AACAAAATGGAGAAGTATTTTATACAACTTATATGATCTGCTAGTGAATGAGATAAGTCA-3'
Protein context (NP_000042.3, residues 295-315): AKTQEKGAYE[Ser305Leu]TKWRSILYNL

ClinVar aggregate classification (germline): Uncertain significance. Review status: criteria provided, multiple submitters, no conflicts (2 of 4 stars). 2 submissions from 2 submitters: Uncertain significance (2). Last evaluated 2024-08-31.

Conditions:
Hereditary cancer-predisposing syndrome. Also called: Hereditary Cancer Syndrome; Neoplastic Syndromes, Hereditary; Hereditary neoplastic syndrome; Tumor predisposition. Identifiers: Orphanet 140162, MedGen C0027672, MeSH D009386, MONDO:0015356.
Ataxia-telangiectasia syndrome (AT). Also called: Cerebello-oculocutaneous telangiectasia; Immunodeficiency with ataxia telangiectasia; Ataxia-telangiectasia, complementation group E; Ataxia-telangiectasia, complementation group D; AT, COMPLEMENTATION GROUP C; ATAXIA-TELANGIECTASIA, COMPLEMENTATION GROUP A. Identifiers: Orphanet 100, MedGen C0004135, MONDO:0008840, OMIM 208900.

Submissions (2):

Labcorp Genetics (formerly Invitae), Labcorp
Classification: Uncertain significance for Ataxia-telangiectasia syndrome. Last evaluated: 2024-08-31. Review status: criteria provided, single submitter. Criteria: Invitae Variant Classification Sherloc (09022015). Collection method: clinical testing. Allele origin: germline.
Comment: This sequence change replaces serine, which is neutral and polar, with leucine, which is neutral and non-polar, at codon 305 of the ATM protein (p.Ser305Leu). This variant is not present in population databases (gnomAD no frequency). This variant has not been reported in the literature in individuals affected with ATM-related conditions. ClinVar contains an entry for this variant (Variation ID: 823048). An algorithm developed to predict the effect of missense changes on protein structure and function (PolyPhen-2) suggests that this variant is likely to be tolerated. In summary, the available evidence is currently insufficient to determine the role of this variant in disease. Therefore, it has been classified as a Variant of Uncertain Significance.

Ambry Genetics
Classification: Uncertain significance for Hereditary cancer-predisposing syndrome. Last evaluated: 2019-12-11. Review status: criteria provided, single submitter. Criteria: Ambry Variant Classification Scheme 2023. Collection method: clinical testing. Allele origin: germline.
Comment: The p.S305L variant (also known as c.914C>T), located in coding exon 7 of the ATM gene, results from a C to T substitution at nucleotide position 914. The serine at codon 305 is replaced by leucine, an amino acid with dissimilar properties. This amino acid position is not well conserved in available vertebrate species. In addition, this alteration is predicted to be tolerated by in silico analysis. Since supporting evidence is limited at this time, the clinical significance of this alteration remains unclear.